The following is an entry in ClinVar:

ClinVar aggregate classification (germline): Pathogenic (1 of 4 stars; one submission).

Conditions:
Pick disease. Also called: PICK DISEASE OF BRAIN; DEMENTIA WITH LOBAR ATROPHY AND NEURONAL CYTOPLASMIC INCLUSIONS; LOBAR ATROPHY OF BRAIN; Pick's disease; Pick Disease of the Brain. Identifiers: Orphanet 282, MedGen C0236642, MONDO:0008243, OMIM 172700.
Alzheimer disease 3 (AD3). Also called: ALZHEIMER DISEASE, FAMILIAL, 3. Identifiers: Orphanet 1020, MedGen C1843013, MONDO:0011913, OMIM 607822.
Acne inversa, familial, 3 (ACNINV3). Identifiers: MedGen C3151038, MONDO:0013398, OMIM 613737.
Frontotemporal dementia (FTD1). Also called: FRONTOTEMPORAL LOBAR DEGENERATION WITH TAU INCLUSIONS; FTLD WITH TAU INCLUSIONS; Frontotemporal Dementia with Parkinsonism-17 (FTDP-17); FRONTOTEMPORAL DEMENTIA WITH PARKINSONISM; FRONTOTEMPORAL LOBE DEMENTIA; MULTIPLE SYSTEM TAUOPATHY WITH PRESENILE DEMENTIA. Identifiers: Orphanet 282, MedGen C0338451, MONDO:0017276, OMIM 600274, HP:0002145.

Submission:

Labcorp Genetics (formerly Invitae), Labcorp
Classification: Pathogenic for Alzheimer disease 3; Pick disease; Acne inversa, familial, 3; Frontotemporal dementia. Last evaluated: 2025-11-13. Review status: criteria provided, single submitter. Criteria: Invitae Variant Classification Sherloc (09022015). Collection method: clinical testing. Allele origin: germline.
Comment: This sequence change replaces phenylalanine, which is neutral and non-polar, with leucine, which is neutral and non-polar, at codon 388 of the PSEN1 protein (p.Phe388Leu). This variant is not present in population databases (gnomAD no frequency). This missense change has been observed in individuals with clinical features of PSEN1-related conditions (PMID: 27836335; internal data). Invitae Evidence Modeling of protein sequence and biophysical properties (such as structural, functional, and spatial information, amino acid conservation, physicochemical variation, residue mobility, and thermodynamic stability) indicates that this missense variant is expected to disrupt PSEN1 protein function with a positive predictive value of 95%. Experimental studies have shown that this missense change affects PSEN1 function (PMID: 27836335). This variant disrupts the p.Phe388 amino acid residue in PSEN1. Other variant(s) that disrupt this residue have been determined to be pathogenic (PMID: 36895955). This suggests that this residue is clinically significant, and that variants that disrupt this residue are likely to be disease-causing. For these reasons, this variant has been classified as Pathogenic.

Literature cited by the submitters: PubMed 27836335; PubMed 36895955.

NM_000021.4(PSEN1):c.1164C>G (p.Phe388Leu)

Gene: PSEN1 (presenilin 1; plus strand). Cytogenetic location: 14q24.2.
Variant type: single nucleotide variant.
Coding change: c.1164C>G on transcript NM_000021.4 (MANE Select); coding-DNA position 1164, C replaced by G.
Protein change: p.Phe388Leu; replaces phenylalanine 388 with leucine.
Molecular consequence: missense variant.
Genome position (GRCh38, 1-based): chr14:73,217,160, C>G. VCF-style: chr14-73217160-C-G. GRCh37 (hg19) VCF-style: chr14-73683868-C-G.
Other names: c.1152C>G, p.Phe384Leu (NM_007318.3); short protein forms F384L, F388L.
Identifiers: ClinVar variation 4783777 (VCV004783777.1).
Genomic context (GRCh38, chr14:73,217,160, plus strand): 5'-TAATATTTGTAACCTTTCCTTTTTAGGGGGAGTAAAACTTGGATTGGGAGATTTCATTTT[C>G]TACAGTGTTCTGGTTGGTAAAGCCTCAGCAACAGCCAGTGGAGACTGGAACACAACCATA-3'
Protein context (NP_000012.1, residues 378-398): GVKLGLGDFI[Phe388Leu]YSVLVGKASA